The following is an entry in ClinVar:

ClinVar aggregate classification (germline): Uncertain significance (1 of 4 stars; one submission).

Conditions:
Stormorken syndrome (STRMK). Also called: THROMBOCYTOPATHY, ASPLENIA, AND MIOSIS. Identifiers: Orphanet 3204, MedGen C1861451, MONDO:0008497, OMIM 185070.
Combined immunodeficiency due to STIM1 deficiency. Also called: IMMUNODEFICIENCY 10; STIM1 DEFICIENCY. Identifiers: Orphanet 169090, Orphanet 317430, MedGen C2748557, MONDO:0013008, OMIM 612783.
Myopathy with tubular aggregates (TAM). Also called: Tubular Aggregate Myopathy. Identifiers: Orphanet 2593, MedGen C0410207, MONDO:0008051.

Submission:

Labcorp Genetics (formerly Invitae), Labcorp
Classification: Uncertain significance for Myopathy with tubular aggregates; Combined immunodeficiency due to STIM1 deficiency; Stormorken syndrome. Last evaluated: 2023-03-16. Review status: criteria provided, single submitter. Criteria: Invitae Variant Classification Sherloc (09022015). Collection method: clinical testing. Allele origin: germline.
Comment: In summary, the available evidence is currently insufficient to determine the role of this variant in disease. Therefore, it has been classified as a Variant of Uncertain Significance. Algorithms developed to predict the effect of missense changes on protein structure and function output the following: SIFT: "Not Available"; PolyPhen-2: "Benign"; Align-GVGD: "Not Available". The arginine amino acid residue is found in multiple mammalian species, which suggests that this missense change does not adversely affect protein function. This variant has not been reported in the literature in individuals affected with STIM1-related conditions. This variant is not present in population databases (gnomAD no frequency). This sequence change replaces lysine, which is basic and polar, with arginine, which is basic and polar, at codon 301 of the STIM1 protein (p.Lys301Arg).

NM_001382567.1(STIM1):c.902A>G (p.Lys301Arg)

Gene: STIM1 (stromal interaction molecule 1; plus strand). Cytogenetic location: 11p15.4.
Variant type: single nucleotide variant.
Coding change: c.902A>G on transcript NM_001382567.1 (MANE Select); coding-DNA position 902, A replaced by G.
Protein change: p.Lys301Arg; replaces lysine 301 with arginine.
Molecular consequence: missense variant.
Genome position (GRCh38, 1-based): chr11:4,074,612, A>G. VCF-style: chr11-4074612-A-G. GRCh37 (hg19) VCF-style: chr11-4095842-A-G.
Other names: c.902A>G, p.Lys301Arg (NM_001277961.3, NM_001277962.2, NM_001382568.1 and 2 more transcripts); c.680A>G, p.Lys227Arg (NM_001382566.1, NM_001382573.1, NM_001382574.1 and 5 more transcripts); c.767A>G, p.Lys256Arg (NM_001382569.1); c.674A>G, p.Lys225Arg (NM_001382570.1); c.422A>G, p.Lys141Arg (NM_001382571.1); c.413A>G, p.Lys138Arg (NM_001382580.1, NM_001382581.1); short protein forms K227R, K301R, K141R, K225R, K256R, K138R.
Identifiers: ClinVar variation 2944232 (VCV002944232.3), dbSNP rs2498406807, ClinGen allele CA379190874.